The following is an entry in ClinVar:

NM_000038.6(APC):c.3805A>G (p.Ile1269Val)

Gene: APC (APC regulator of Wnt signaling pathway; plus strand). Cytogenetic location: 5q22.2.
Variant type: single nucleotide variant.
Coding change: c.3805A>G on transcript NM_000038.6 (MANE Select); coding-DNA position 3805, A replaced by G.
Protein change: p.Ile1269Val; replaces isoleucine 1269 with valine.
Molecular consequence: missense variant.
Genome position (GRCh38, 1-based): chr5:112,839,399, A>G. VCF-style: chr5-112839399-A-G. GRCh37 (hg19) VCF-style: chr5-112175096-A-G.
Other names: c.3805A>G, p.Ile1269Val (NM_001127510.3, NM_001354895.2); c.3751A>G, p.Ile1251Val (NM_001127511.3); c.3859A>G, p.Ile1287Val (NM_001354896.2); c.3835A>G, p.Ile1279Val (NM_001354897.2); c.3730A>G, p.Ile1244Val (NM_001354898.2); c.3721A>G, p.Ile1241Val (NM_001354899.2); c.3682A>G, p.Ile1228Val (NM_001354900.2); c.3628A>G, p.Ile1210Val (NM_001354901.2); and 5 more; short protein forms I1109V, I1143V, I1168V, I1178V, I1210V, I1228V, I1241V, I1244V.
Identifiers: ClinVar variation 1321059 (VCV001321059.5), dbSNP rs2149899378, ClinGen allele CA16029680.

ClinVar aggregate classification (germline): Uncertain significance. Review status: criteria provided, multiple submitters, no conflicts (2 of 4 stars). 3 submissions from 3 submitters: Uncertain significance (3). Last evaluated 2024-12-20.

Conditions:
Hereditary cancer-predisposing syndrome. Also called: Hereditary neoplastic syndrome; Neoplastic Syndromes, Hereditary; Tumor predisposition; Hereditary Cancer Syndrome. Identifiers: Orphanet 140162, MedGen C0027672, MeSH D009386, MONDO:0015356.
Familial adenomatous polyposis 1 (FAP1). Also called: POLYPOSIS, ADENOMATOUS INTESTINAL; FAMILIAL ADENOMATOUS POLYPOSIS 1, ATTENUATED. Identifiers: MedGen C2713442, MONDO:0021056, OMIM 175100. Disease mechanism: loss of function.

gnomAD v4.1: 1 of 1,614,192 alleles (0.000062%); highest among the groups gnomAD compares: Non-Finnish European, 0.000085%; no homozygotes.

Submissions (3):

Ambry Genetics
Classification: Uncertain significance for Hereditary cancer-predisposing syndrome. Last evaluated: 2024-12-20. Review status: criteria provided, single submitter. Criteria: Ambry Variant Classification Scheme 2023. Collection method: clinical testing. Allele origin: germline.
Comment: The p.I1269V variant (also known as c.3805A>G), located in coding exon 15 of the APC gene, results from an A to G substitution at nucleotide position 3805. The isoleucine at codon 1269 is replaced by valine, an amino acid with highly similar properties. This amino acid position is conserved. In addition, in silico predictors for this gene do not accurately predict pathogenicity. Based on the available evidence, the clinical significance of this variant remains unclear.

Labcorp Genetics (formerly Invitae), Labcorp
Classification: Uncertain significance for Familial adenomatous polyposis 1. Last evaluated: 2023-08-01. Review status: criteria provided, single submitter. Criteria: Invitae Variant Classification Sherloc (09022015). Collection method: clinical testing. Allele origin: germline.
Comment: This sequence change replaces isoleucine, which is neutral and non-polar, with valine, which is neutral and non-polar, at codon 1269 of the APC protein (p.Ile1269Val). This variant is not present in population databases (gnomAD no frequency). This variant has not been reported in the literature in individuals affected with APC-related conditions. ClinVar contains an entry for this variant (Variation ID: 1321059). Advanced modeling of protein sequence and biophysical properties (such as structural, functional, and spatial information, amino acid conservation, physicochemical variation, residue mobility, and thermodynamic stability) performed at Invitae indicates that this missense variant is not expected to disrupt APC protein function. In summary, the available evidence is currently insufficient to determine the role of this variant in disease. Therefore, it has been classified as a Variant of Uncertain Significance.

GeneDx
Classification: Uncertain significance. Last evaluated: 2020-04-20. Review status: criteria provided, single submitter. Criteria: GeneDx Variant Classification Process June 2021. Collection method: clinical testing. Allele origin: germline. Affected: yes.
Comment: Not observed in large population cohorts (Lek et al., 2016); In silico analysis supports that this missense variant does not alter protein structure/function; Has not been previously published as pathogenic or benign to our knowledge